The following is an entry in ClinVar:

ClinVar aggregate classification (germline): Likely benign. Review status: criteria provided, multiple submitters, no conflicts (2 of 4 stars). 3 submissions from 3 submitters: Likely benign (2). 1 of the submissions does not count toward it. Last evaluated 2023-04-11.

Conditions:
Inborn genetic diseases. Identifiers: MedGen C0950123, MeSH D030342.
Intellectual disability-microcephaly-strabismus-behavioral abnormalities syndrome. Also called: White-Sutton Syndrome. Identifiers: Orphanet 468678, MedGen C4225351, MONDO:0014606, OMIM 616364.
POGZ-related disorder. Also called: POGZ-related condition.

Allele frequency attached by ClinVar (database versions not stated): ExAC 0.00001; gnomAD exomes 0.00001; TOPMed 0.00001; gnomAD 0.00002; 1000 Genomes Project 30x 0.00016; 1000 Genomes Project 0.00020.
gnomAD v4.1: 17 of 1,614,032 alleles (0.0011%); highest among the groups gnomAD compares: African/African-American, 0.013%; no homozygotes.

Submissions (3):

Genome-Nilou Lab
Classification: Likely benign for Intellectual disability-microcephaly-strabismus-behavioral abnormalities syndrome. Last evaluated: 2023-04-11. Review status: criteria provided, single submitter. Criteria: ACMG Guidelines, 2015. Collection method: clinical testing. Allele origin: germline. Affected: no.

Ambry Genetics
Classification: Likely benign for Inborn genetic diseases. Last evaluated: 2020-08-24. Review status: criteria provided, single submitter. Criteria: Ambry Variant Classification Scheme 2023. Collection method: clinical testing. Allele origin: germline.

PreventionGenetics, part of Exact Sciences
Classification: Likely benign for POGZ-related condition. Last evaluated: 2023-04-26. Review status: no assertion criteria provided. Collection method: clinical testing. Allele origin: germline. Not counted in ClinVar's aggregate classification.
Comment: This variant is classified as likely benign based on ACMG/AMP sequence variant interpretation guidelines (Richards et al. 2015 PMID: 25741868, with internal and published modifications).

NM_015100.4(POGZ):c.2040G>A (p.Glu680=)

Gene: POGZ (pogo transposable element derived with ZNF domain; minus strand). Cytogenetic location: 1q21.3.
Variant type: single nucleotide variant.
Coding change: c.2040G>A on transcript NM_015100.4 (MANE Select); coding-DNA position 2040, G replaced by A.
Protein change: p.Glu680=; no amino-acid change (glutamic acid 680 retained).
Molecular consequence: synonymous variant.
Genome position (GRCh38, 1-based): chr1:151,408,715, C>T on the plus strand (G>A on the coding strand, the complement: POGZ is on the minus strand). VCF-style: chr1-151408715-C-T. GRCh37 (hg19) VCF-style: chr1-151381191-C-T.
Other names: c.2013G>A, p.Glu671= (NM_001194937.2); c.1854G>A, p.Glu618= (NM_001194938.2); c.2061G>A, p.Glu687= (NM_001410860.1); c.1755G>A, p.Glu585= (NM_145796.4); c.1881G>A, p.Glu627= (NM_207171.2).
Identifiers: ClinVar variation 1784893 (VCV001784893.6), dbSNP rs181887130, ClinGen allele CA1091282.